The following is an entry in ClinVar:

ClinVar aggregate classification (germline): Uncertain significance. Review status: criteria provided, multiple submitters, no conflicts (2 of 4 stars). 2 submissions from 2 submitters: Uncertain significance (2). Last evaluated 2026-03-24.

Conditions:
Hereditary cancer-predisposing syndrome. Also called: Tumor predisposition; Hereditary neoplastic syndrome; Neoplastic Syndromes, Hereditary; Hereditary Cancer Syndrome. Identifiers: Orphanet 140162, MedGen C0027672, MeSH D009386, MONDO:0015356.

Allele frequency attached by ClinVar (database versions not stated): gnomAD exomes below 0.00001.
gnomAD v4.1: 1 of 1,609,266 alleles (0.000062%); highest among the groups gnomAD compares: Admixed American, 0.0017%; no homozygotes.

Submissions (2):

Ambry Genetics
Classification: Uncertain significance for Hereditary cancer-predisposing syndrome. Last evaluated: 2026-03-24. Review status: criteria provided, single submitter. Criteria: Ambry Variant Classification Scheme 2023. Collection method: clinical testing. Allele origin: germline.
Comment: The p.V228M variant (also known as c.682G>A), located in coding exon 4 of the NTHL1 gene, results from a G to A substitution at nucleotide position 682. The valine at codon 228 is replaced by methionine, an amino acid with highly similar properties. This amino acid position is conserved. In addition, the in silico prediction for this alteration is inconclusive. Based on the available evidence, the clinical significance of this variant remains unclear.

Labcorp Genetics (formerly Invitae), Labcorp
Classification: Uncertain significance. Last evaluated: 2025-01-20. Review status: criteria provided, single submitter. Criteria: Invitae Variant Classification Sherloc (09022015). Collection method: clinical testing. Allele origin: germline.
Comment: This sequence change replaces valine, which is neutral and non-polar, with methionine, which is neutral and non-polar, at codon 228 of the NTHL1 protein (p.Val228Met). This variant is not present in population databases (gnomAD no frequency). This variant has not been reported in the literature in individuals affected with NTHL1-related conditions. ClinVar contains an entry for this variant (Variation ID: 2754827). An algorithm developed to predict the effect of missense changes on protein structure and function (PolyPhen-2) suggests that this variant is likely to be disruptive. In summary, the available evidence is currently insufficient to determine the role of this variant in disease. Therefore, it has been classified as a Variant of Uncertain Significance.

NM_002528.7(NTHL1):c.658G>A (p.Val220Met)

Gene: NTHL1 (nth like DNA glycosylase 1; minus strand). Cytogenetic location: 16p13.3.
Variant type: single nucleotide variant.
Coding change: c.658G>A on transcript NM_002528.7 (MANE Select); coding-DNA position 658, G replaced by A.
Protein change: p.Val220Met; replaces valine 220 with methionine.
Molecular consequence: missense variant.
Genome position (GRCh38, 1-based): chr16:2,043,594, C>T on the plus strand (G>A on the coding strand, the complement: NTHL1 is on the minus strand). VCF-style: chr16-2043594-C-T. GRCh37 (hg19) VCF-style: chr16-2093595-C-T.
Other names: c.487G>A, p.Val163Met (NM_001318193.2); c.328G>A, p.Val110Met (NM_001318194.2); c.682G>A (NM_002528.5); short protein forms V110M, V163M, V220M.
Identifiers: ClinVar variation 2754827 (VCV002754827.4), dbSNP rs2150941191, ClinGen allele CA394291025.